The following is an entry in ClinVar:

ClinVar aggregate classification (germline): Uncertain significance (1 of 4 stars; one submission).

Conditions:
CHARGE syndrome (CHARGE). Also called: Hittner Hirsch Kreh syndrome; CHARGE ASSOCIATION--COLOBOMA, HEART ANOMALY, CHOANAL ATRESIA, RETARDATION, GENITAL AND EAR ANOMALIES; Coloboma, heart anomaly, choanal atresia, retardation, genital and ear anomalies; CHARGE association; Hall-Hittner syndrome. Identifiers: Orphanet 138, MedGen C0265354, MONDO:0008965.

Submission:

Labcorp Genetics (formerly Invitae), Labcorp
Classification: Uncertain significance for CHARGE syndrome. Last evaluated: 2026-01-11. Review status: criteria provided, single submitter. Criteria: Invitae Variant Classification Sherloc (09022015). Collection method: clinical testing. Allele origin: germline.
Comment: This sequence change replaces aspartic acid, which is acidic and polar, with asparagine, which is neutral and polar, at codon 2269 of the CHD7 protein (p.Asp2269Asn). This variant is not present in population databases (gnomAD no frequency). This variant has not been reported in the literature in individuals affected with CHD7-related conditions. Invitae Evidence Modeling of protein sequence and biophysical properties (such as structural, functional, and spatial information, amino acid conservation, physicochemical variation, residue mobility, and thermodynamic stability) has been performed for this missense variant. However, the output from this modeling did not meet the statistical confidence thresholds required to predict the impact of this variant on CHD7 protein function. In summary, the available evidence is currently insufficient to determine the role of this variant in disease. Therefore, it has been classified as a Variant of Uncertain Significance.

NM_017780.4(CHD7):c.6805G>A (p.Asp2269Asn)

Gene: CHD7 (chromodomain helicase DNA binding protein 7; plus strand). Cytogenetic location: 8q12.2.
Variant type: single nucleotide variant.
Coding change: c.6805G>A on transcript NM_017780.4 (MANE Select); coding-DNA position 6805, G replaced by A.
Protein change: p.Asp2269Asn; replaces aspartic acid 2269 with asparagine.
Molecular consequence: missense variant. On other transcripts: intron variant (1).
Genome position (GRCh38, 1-based): chr8:60,854,392, G>A. VCF-style: chr8-60854392-G-A. GRCh37 (hg19) VCF-style: chr8-61766951-G-A.
Other names: c.1717-7837G>A (NM_001316690.1); short protein forms D2269N.
Identifiers: ClinVar variation 4746304 (VCV004746304.1).